The following is an entry in ClinVar:

NM_001103.4(ACTN2):c.448+73G>A

Gene: ACTN2 (actinin alpha 2; plus strand). Cytogenetic location: 1q43.
Variant type: single nucleotide variant.
Coding change: c.448+73G>A on transcript NM_001103.4 (MANE Select); 73 bases into the intron after coding-DNA position 448, G replaced by A.
Molecular consequence: intron variant.
Genome position (GRCh38, 1-based): chr1:236,720,264, G>A. VCF-style: chr1-236720264-G-A. GRCh37 (hg19) VCF-style: chr1-236883564-G-A.
Other names: c.-374+73G>A (NM_001278344.2); c.448+73G>A (NM_001278343.2).
Identifiers: ClinVar variation 671985 (VCV000671985.5), dbSNP rs1341862, ClinGen allele CA39710627.

ClinVar aggregate classification (germline): Benign. Review status: criteria provided, multiple submitters, no conflicts (2 of 4 stars). 3 submissions from 3 submitters: Benign (3). Last evaluated 2021-07-14.

Conditions:
Myopathy, congenital, with structured cores and z-line abnormalities. Also called: MULTIPLE STRUCTURED CORE DISEASE; CONGENITAL MYOPATHY 8. Identifiers: MedGen C5231445, MONDO:0032852, OMIM 618654.

Allele frequency attached by ClinVar (database versions not stated): 1000 Genomes Project 30x 0.91568; 1000 Genomes Project 0.92232; TOPMed 0.92323; gnomAD 0.93228 and 0.93488; gnomAD exomes 0.98346.
gnomAD v4.1: 1,230,242 of 1,258,738 alleles (98%); highest among the groups gnomAD compares: Non-Finnish European, 100%; 602,632 homozygotes.

Submissions (3):

Genome-Nilou Lab
Classification: Benign for Myopathy, congenital, with structured cores and z-line abnormalities. Last evaluated: 2021-07-14. Review status: criteria provided, single submitter. Criteria: ACMG Guidelines, 2015. Collection method: clinical testing. Allele origin: germline. Affected: no.

GeneDx
Classification: Benign. Last evaluated: 2018-06-14. Review status: criteria provided, single submitter. Criteria: GeneDx Variant Classification (06012015). Collection method: clinical testing. Allele origin: germline. Affected: yes.
Comment: This variant is considered likely benign or benign based on one or more of the following criteria: it is a conservative change, it occurs at a poorly conserved position in the protein, it is predicted to be benign by multiple in silico algorithms, and/or has population frequency not consistent with disease.

Breakthrough Genomics
Classification: Benign. Review status: criteria provided, single submitter. Criteria: ACMG Guidelines, 2015. Collection method: not provided. Allele origin: germline. Inheritance: Autosomal dominant inheritance. Affected: yes.